The following is an entry in ClinVar:

ClinVar aggregate classification (germline): Conflicting classifications of pathogenicity. Review status: criteria provided, conflicting classifications (1 of 4 stars). 5 submissions from 5 submitters: Uncertain significance (1); Benign (1); Likely benign (2). 1 of the submissions does not count toward it. Last evaluated 2026-02-24.

Conditions:
Inborn genetic diseases. Identifiers: MedGen C0950123, MeSH D030342.
Nemaline myopathy 2 (NEM2). Also called: Nemaline myopathy 2, autosomal recessive. Identifiers: MedGen C1850569, MONDO:0009725, OMIM 256030.

Allele frequency attached by ClinVar (database versions not stated): ESP Exome Variant Server 0.00017; gnomAD 0.00038 and 0.00077; TOPMed 0.00042; gnomAD exomes 0.00075; ExAC 0.00101.
gnomAD v4.1: 286 of 1,540,868 alleles (0.019%); highest among the groups gnomAD compares: East Asian, 0.47%; 5 homozygotes.

Submissions (5):

Women's Health and Genetics/Laboratory Corporation of America, LabCorp
Classification: Likely benign. Last evaluated: 2026-02-24. Review status: criteria provided, single submitter. Criteria: LabCorp Variant Classification Summary - May 2015. Collection method: clinical testing. Allele origin: germline.
Comment: Variant summary: NEB c.21524T>C (p.Ile7175Thr) results in a non-conservative amino acid change in the encoded protein sequence. Algorithms developed to predict the effect of missense changes on protein structure and function are either unavailable or do not agree on the potential impact of this missense change. Several computational tools predict a significant impact on normal splicing: Three predict the variant weakens a canonical 3' acceptor site. One predict the variant no significant impact on splicing. However, these predictions have yet to be confirmed by functional studies. The variant allele was found at a frequency of 0.00075 in 126408 control chromosomes, predominantly at a frequency of 0.009 within the East Asian subpopulation in the gnomAD database, including 1 homozygote. The observed variant frequency within East Asian control individuals in the gnomAD database exceeds the estimated maximal expected allele frequency for disease-causing variants in NEB. To our knowledge, no occurrence of c.21524T>C in individuals affected with NEB-related conditions and no experimental evidence demonstrating its impact on protein function have been reported. ClinVar contains an entry for this variant (Variation ID: 331425). Based on the evidence outlined above, the variant was classified as likely benign.

Labcorp Genetics (formerly Invitae), Labcorp
Classification: Benign for Nemaline myopathy 2. Last evaluated: 2026-02-01. Review status: criteria provided, single submitter. Criteria: Invitae Variant Classification Sherloc (09022015). Collection method: clinical testing. Allele origin: germline.

Ambry Genetics
Classification: Uncertain significance for Inborn genetic diseases. Last evaluated: 2025-06-18. Review status: criteria provided, single submitter. Criteria: Ambry Variant Classification Scheme 2023. Collection method: clinical testing. Allele origin: germline.

Illumina Laboratory Services, Illumina
Classification: Likely benign for Nemaline myopathy 2. Last evaluated: 2018-01-13. Review status: criteria provided, single submitter. Criteria: ICSL Variant Classification Criteria 13 December 2019. Collection method: clinical testing. Allele origin: germline.
Comment: This variant was observed in the ICSL laboratory as part of a predisposition screen in an ostensibly healthy population. It had not been previously curated by ICSL or reported in the Human Gene Mutation Database (HGMD: prior to June 1st, 2018), and was therefore a candidate for classification through an automated scoring system. Utilizing variant allele frequency, disease prevalence and penetrance estimates, and inheritance mode, an automated score was calculated to assess if this variant is too frequent to cause the disease. Based on the score and internal cut-off values, a variant classified as likely benign is not then subjected to further curation. The score for this variant resulted in a classification of likely benign for this disease.

Natera, Inc.
Classification: Likely benign for Nemaline myopathy type 2. Last evaluated: 2019-11-11. Review status: no assertion criteria provided. Collection method: clinical testing. Allele origin: germline. Not counted in ClinVar's aggregate classification.

NM_001164508.2(NEB):c.21419T>C (p.Ile7140Thr)

Genes: RIF1 (replication timing regulatory factor 1; plus strand), NEB (nebulin; minus strand). Cytogenetic location: 2q23.3.
Variant type: single nucleotide variant.
Coding change: c.21419T>C on transcript NM_001164508.2 (MANE Select); coding-DNA position 21419, T replaced by C.
Protein change: p.Ile7140Thr; replaces isoleucine 7140 with threonine.
Molecular consequence: missense variant.
Genome position (GRCh38, 1-based): chr2:151,531,895, A>G on the plus strand (T>C on the coding strand, the complement: NEB is on the minus strand). VCF-style: chr2-151531895-A-G. GRCh37 (hg19) VCF-style: chr2-152388409-A-G.
Other names: c.21419T>C, p.Ile7140Thr (NM_001164507.2); c.21524T>C, p.Ile7175Thr (NM_001271208.2); c.16316T>C, p.Ile5439Thr (NM_004543.5); short protein forms I5439T, I7175T, I7140T.
Identifiers: ClinVar variation 331425 (VCV000331425.23), dbSNP rs200112795, ClinGen allele CA1906970.